The following is an entry in ClinVar:

ClinVar aggregate classification (germline): Uncertain significance (1 of 4 stars; one submission).

Conditions:
Emery-Dreifuss muscular dystrophy 5, autosomal dominant (EDMD5). Also called: EMERY-DREIFUSS MUSCULAR DYSTROPHY 5. Identifiers: Orphanet 261, MedGen C2751805, MONDO:0013072, OMIM 612999.

Allele frequency attached by ClinVar (database versions not stated): gnomAD exomes below 0.00001; ExAC 0.00001.
gnomAD v4.1: 1 of 1,611,430 alleles (0.000062%); highest among the groups gnomAD compares: South Asian, 0.0011%; no homozygotes.

Submission:

Labcorp Genetics (formerly Invitae), Labcorp
Classification: Uncertain significance for Emery-Dreifuss muscular dystrophy 5, autosomal dominant. Last evaluated: 2023-05-09. Review status: criteria provided, single submitter. Criteria: Invitae Variant Classification Sherloc (09022015). Collection method: clinical testing. Allele origin: germline.
Comment: In summary, the available evidence is currently insufficient to determine the role of this variant in disease. Therefore, it has been classified as a Variant of Uncertain Significance. An algorithm developed to predict the effect of missense changes on protein structure and function (PolyPhen-2) suggests that this variant is likely to be disruptive. This variant has not been reported in the literature in individuals affected with SYNE2-related conditions. This variant is present in population databases (rs767241763, gnomAD 0.003%). This sequence change replaces lysine, which is basic and polar, with glutamine, which is neutral and polar, at codon 2084 of the SYNE2 protein (p.Lys2084Gln).

NM_182914.3(SYNE2):c.6250A>C (p.Lys2084Gln)

Gene: SYNE2 (spectrin repeat containing nuclear envelope protein 2; plus strand). Cytogenetic location: 14q23.2.
Variant type: single nucleotide variant.
Coding change: c.6250A>C on transcript NM_182914.3 (MANE Select); coding-DNA position 6250, A replaced by C.
Protein change: p.Lys2084Gln; replaces lysine 2084 with glutamine.
Molecular consequence: missense variant.
Genome position (GRCh38, 1-based): chr14:64,025,419, A>C. VCF-style: chr14-64025419-A-C. GRCh37 (hg19) VCF-style: chr14-64492137-A-C.
Other names: c.6250A>C, p.Lys2084Gln (NM_015180.6); short protein forms K2084Q.
Identifiers: ClinVar variation 2959838 (VCV002959838.3), dbSNP rs767241763, ClinGen allele CA7220645.